The following is an entry in ClinVar:

ClinVar aggregate classification (germline): Pathogenic/Likely pathogenic. Review status: criteria provided, multiple submitters, no conflicts (2 of 4 stars). 4 submissions from 4 submitters: Pathogenic (1); Likely pathogenic (2). 1 of the submissions does not count toward it. Last evaluated 2025-06-30.

Conditions:
Mucopolysaccharidosis type 1. Also called: Mucopolysaccharidosis Type I; IDUA deficiency; MPS I. Identifiers: Orphanet 579, MedGen C0023786, MONDO:0001586.
Mucopolysaccharidosis, MPS-I-S. Also called: Scheie Syndrome; MPS V; MUCOPOLYSACCHARIDOSIS TYPE V; MUCOPOLYSACCHARIDOSIS TYPE IS. Identifiers: Orphanet 93474, MedGen C0026708, MONDO:0011760, OMIM 607016.
Hurler syndrome. Also called: Gargoylism, Hurler Syndrome; MUCOPOLYSACCHARIDOSIS TYPE IH; Severe MPS I (Hurler Syndrome). Identifiers: Orphanet 93473, MedGen C0086795, MONDO:0011758, OMIM 607014.
Mucopolysaccharidosis, MPS-I-H/S. Also called: Mucopolysaccharidosis type IH/S. Identifiers: Orphanet 93476, MedGen C0086431, MONDO:0011759, OMIM 607015.

Allele frequency attached by ClinVar (database versions not stated): TOPMed 0.00001; gnomAD 0.00001.
gnomAD v4.1: 1 of 1,612,754 alleles (0.000062%); highest among the groups gnomAD compares: African/African-American, 0.0013%; no homozygotes.

Submissions (4):

Natera, Inc.
Classification: Likely pathogenic for Mucopolysaccharidosis type I. Last evaluated: 2025-06-30. Review status: criteria provided, single submitter. Criteria: Natera Variant Classification Schema (03/2026). Collection method: clinical testing. Allele origin: germline.
Comment: The c.1828+1G>C variant in IDUA is a canonical splice donor site variant predicted to affect pre-mRNA splicing, which may result in an abnormal transcript and altered protein product. This variant is expected to result in nonsense mediated decay, truncation, or a dysfunctional protein product. This variant is rare in the general population with a frequency below the threshold expected for the associated phenotype(s). Given the available evidence, this variant is classified as Likely Pathogenic.

Fulgent Genetics
Classification: Likely pathogenic for Hurler syndrome; Mucopolysaccharidosis, MPS-I-H/S; Mucopolysaccharidosis, MPS-I-S. Last evaluated: 2024-01-15. Review status: criteria provided, single submitter. Criteria: ACMG Guidelines, 2015. Collection method: clinical testing. Allele origin: germline.

Labcorp Genetics (formerly Invitae), Labcorp
Classification: Pathogenic for Mucopolysaccharidosis type 1. Last evaluated: 2022-07-11. Review status: criteria provided, single submitter. Criteria: Invitae Variant Classification Sherloc (09022015). Collection method: clinical testing. Allele origin: germline.
Comment: This sequence change affects a donor splice site in intron 13 of the IDUA gene. While this variant is not anticipated to result in nonsense mediated decay, it likely alters RNA splicing and results in a disrupted protein product. For these reasons, this variant has been classified as Pathogenic. This variant disrupts a region of the IDUA protein in which other variant(s) (p.Arg619*) have been determined to be pathogenic (PMID: 11735025, 27146977, 28752568). This suggests that this is a clinically significant region of the protein, and that variants that disrupt it are likely to be disease-causing. Variants that disrupt the consensus splice site are a relatively common cause of aberrant splicing (PMID: 17576681, 9536098). Algorithms developed to predict the effect of sequence changes on RNA splicing suggest that this variant may disrupt the consensus splice site. ClinVar contains an entry for this variant (Variation ID: 556527). This variant has not been reported in the literature in individuals affected with IDUA-related conditions. This variant is not present in population databases (gnomAD no frequency).

Counsyl
Classification: Likely pathogenic for Hurler syndrome. Last evaluated: 2018-02-06. Review status: no assertion criteria provided. Collection method: clinical testing. Allele origin: unknown. Not counted in ClinVar's aggregate classification.

Literature cited by the submitters: PubMed 11735025 (cited by Labcorp Genetics (formerly Invitae), Labcorp); PubMed 27146977 (cited by Labcorp Genetics (formerly Invitae), Labcorp); PubMed 28752568 (cited by Labcorp Genetics (formerly Invitae), Labcorp); PubMed 17576681 (cited by Labcorp Genetics (formerly Invitae), Labcorp); PubMed 9536098 (cited by Labcorp Genetics (formerly Invitae), Labcorp).

NM_000203.5(IDUA):c.1828+1G>C

Gene: IDUA (alpha-L-iduronidase; plus strand). Cytogenetic location: 4p16.3.
Variant type: single nucleotide variant.
Coding change: c.1828+1G>C on transcript NM_000203.5 (MANE Select); the canonical splice donor site of the intron after coding-DNA position 1828, G replaced by C.
Molecular consequence: splice donor variant.
Genome position (GRCh38, 1-based): chr4:1,004,113, G>C. VCF-style: chr4-1004113-G-C. GRCh37 (hg19) VCF-style: chr4-997901-G-C.
Other names: c.1432+1G>C (NM_001363576.1); c.1828+1G>C (NM_000203.4).
Identifiers: ClinVar variation 556527 (VCV000556527.9), dbSNP rs919151683, ClinGen allele CA91171957.